The following is an entry in ClinVar:

ClinVar aggregate classification (germline): Uncertain significance (1 of 4 stars; one submission).

Conditions:
Early-infantile DEE. Also called: Ohtahara syndrome; Early infantile epileptic encephalopathy with suppression bursts; Early infantile epileptic encephalopathy. Identifiers: Orphanet 1934, MedGen C0393706, MONDO:0800491.

Submission:

Labcorp Genetics (formerly Invitae), Labcorp
Classification: Uncertain significance for Early-infantile DEE. Last evaluated: 2024-09-16. Review status: criteria provided, single submitter. Criteria: Invitae Variant Classification Sherloc (09022015). Collection method: clinical testing. Allele origin: germline.
Comment: This sequence change replaces cysteine, which is neutral and slightly polar, with tyrosine, which is neutral and polar, at codon 255 of the GNAO1 protein (p.Cys255Tyr). This variant is not present in population databases (gnomAD no frequency). This variant has not been reported in the literature in individuals affected with GNAO1-related conditions. Invitae Evidence Modeling of protein sequence and biophysical properties (such as structural, functional, and spatial information, amino acid conservation, physicochemical variation, residue mobility, and thermodynamic stability) indicates that this missense variant is expected to disrupt GNAO1 protein function with a positive predictive value of 95%. In summary, the available evidence is currently insufficient to determine the role of this variant in disease. Therefore, it has been classified as a Variant of Uncertain Significance.

NM_020988.3(GNAO1):c.764G>A (p.Cys255Tyr)

Gene: GNAO1 (G protein subunit alpha o1; plus strand). Cytogenetic location: 16q13.
Variant type: single nucleotide variant.
Coding change: c.764G>A on transcript NM_020988.3 (MANE Select); coding-DNA position 764, G replaced by A.
Protein change: p.Cys255Tyr; replaces cysteine 255 with tyrosine.
Molecular consequence: missense variant.
Genome position (GRCh38, 1-based): chr16:56,351,424, G>A. VCF-style: chr16-56351424-G-A. GRCh37 (hg19) VCF-style: chr16-56385336-G-A.
Other names: short protein forms C255Y.
Identifiers: ClinVar variation 2704742 (VCV002704742.3), dbSNP rs2543427228, ClinGen allele CA395954669.